The following is an entry in ClinVar:

ClinVar aggregate classification (germline): Uncertain significance (1 of 4 stars; one submission).

Submission:

Labcorp Genetics (formerly Invitae), Labcorp
Classification: Uncertain significance. Last evaluated: 2022-07-19. Review status: criteria provided, single submitter. Criteria: Invitae Variant Classification Sherloc (09022015). Collection method: clinical testing. Allele origin: germline.
Comment: This variant is not present in population databases (gnomAD no frequency). In summary, the available evidence is currently insufficient to determine the role of this variant in disease. Therefore, it has been classified as a Variant of Uncertain Significance. Algorithms developed to predict the effect of missense changes on protein structure and function are either unavailable or do not agree on the potential impact of this missense change (SIFT: "Not Available"; PolyPhen-2: "Probably Damaging"; Align-GVGD: "Not Available"). This variant has not been reported in the literature in individuals affected with ADAMTS17-related conditions. This sequence change replaces glycine, which is neutral and non-polar, with arginine, which is basic and polar, at codon 25 of the ADAMTS17 protein (p.Gly25Arg).

NM_139057.4(ADAMTS17):c.73G>C (p.Gly25Arg)

Gene: ADAMTS17 (ADAM metallopeptidase with thrombospondin type 1 motif 17; minus strand). Cytogenetic location: 15q26.3.
Variant type: single nucleotide variant.
Coding change: c.73G>C on transcript NM_139057.4 (MANE Select); coding-DNA position 73, G replaced by C.
Protein change: p.Gly25Arg; replaces glycine 25 with arginine.
Molecular consequence: missense variant.
Genome position (GRCh38, 1-based): chr15:100,341,827, C>G on the plus strand (G>C on the coding strand, the complement: ADAMTS17 is on the minus strand). VCF-style: chr15-100341827-C-G. GRCh37 (hg19) VCF-style: chr15-100882032-C-G.
Other names: short protein forms G25R.
Identifiers: ClinVar variation 1718716 (VCV001718716.5), dbSNP rs2548996123, ClinGen allele CA394525793.